The following is an entry in ClinVar:

ClinVar aggregate classification (germline): Uncertain significance (1 of 4 stars; one submission).

Conditions:
Familial thoracic aortic aneurysm and aortic dissection (TAAD). Also called: Thoracic aortic aneurysms and dissections. Identifiers: Orphanet 91387, MedGen C4707243, MONDO:0019625.

Allele frequency attached by ClinVar (database versions not stated): gnomAD exomes below 0.00001; TOPMed below 0.00001.

Submission:

Ambry Genetics
Classification: Uncertain significance for Familial thoracic aortic aneurysm and aortic dissection. Last evaluated: 2022-09-19. Review status: criteria provided, single submitter. Criteria: Ambry Variant Classification Scheme 2023. Collection method: clinical testing. Allele origin: germline.
Comment: The p.S1004A variant (also known as c.3010T>G), located in coding exon 19 of the NOTCH1 gene, results from a T to G substitution at nucleotide position 3010. The serine at codon 1004 is replaced by alanine, an amino acid with similar properties. This amino acid position is conserved. In addition, this alteration is predicted to be tolerated by in silico analysis. Since supporting evidence is limited at this time, the clinical significance of this alteration remains unclear.

NM_017617.5(NOTCH1):c.3010T>G (p.Ser1004Ala)

Gene: NOTCH1 (notch receptor 1; minus strand). Cytogenetic location: 9q34.3.
Variant type: single nucleotide variant.
Coding change: c.3010T>G on transcript NM_017617.5 (MANE Select); coding-DNA position 3010, T replaced by G.
Protein change: p.Ser1004Ala; replaces serine 1004 with alanine.
Molecular consequence: missense variant.
Genome position (GRCh38, 1-based): chr9:136,509,031, A>C on the plus strand (T>G on the coding strand, the complement: NOTCH1 is on the minus strand). VCF-style: chr9-136509031-A-C. GRCh37 (hg19) VCF-style: chr9-139403483-A-C.
Other names: short protein forms S1004A.
Identifiers: ClinVar variation 1798811 (VCV001798811.2), dbSNP rs1337854523, ClinGen allele CA375553046.